The following is an entry in ClinVar:

NM_024753.5(TTC21B):c.2726A>T (p.Glu909Val)

Gene: TTC21B (tetratricopeptide repeat domain 21B; minus strand). Cytogenetic location: 2q24.3.
Variant type: single nucleotide variant.
Coding change: c.2726A>T on transcript NM_024753.5 (MANE Select); coding-DNA position 2726, A replaced by T.
Protein change: p.Glu909Val; replaces glutamic acid 909 with valine.
Molecular consequence: missense variant.
Genome position (GRCh38, 1-based): chr2:165,901,753, T>A on the plus strand (A>T on the coding strand, the complement: TTC21B is on the minus strand). VCF-style: chr2-165901753-T-A. GRCh37 (hg19) VCF-style: chr2-166758263-T-A.
Other names: short protein forms E909V.
Identifiers: ClinVar variation 1521893 (VCV001521893.3), dbSNP rs1433947584, ClinGen allele CA349052181.

ClinVar aggregate classification (germline): Uncertain significance (1 of 4 stars; one submission).

Conditions:
Nephronophthisis. Also called: Juvenile Nephronophthisis. Identifiers: Orphanet 655, MedGen C0687120, MONDO:0019005, HP:0000090.
Jeune thoracic dystrophy. Also called: Jeune syndrome; Infantile thoracic dystrophy; Thoracic pelvic phalangeal dystrophy; Jeune's syndrome; Chondroectodermal dysplasia-like syndrome; Short-rib thoracic dysplasia. Identifiers: Orphanet 474, MedGen C0265275, MONDO:0018770.

Allele frequency attached by ClinVar (database versions not stated): gnomAD 0.00001; TOPMed 0.00001.
gnomAD v4.1: 2 of 1,614,020 alleles (0.00012%); highest among the groups gnomAD compares: African/African-American, 0.0027%; no homozygotes.

Submission:

Labcorp Genetics (formerly Invitae), Labcorp
Classification: Uncertain significance for Jeune thoracic dystrophy; Nephronophthisis. Last evaluated: 2022-01-15. Review status: criteria provided, single submitter. Criteria: Invitae Variant Classification Sherloc (09022015). Collection method: clinical testing. Allele origin: germline.
Comment: This sequence change replaces glutamic acid, which is acidic and polar, with valine, which is neutral and non-polar, at codon 909 of the TTC21B protein (p.Glu909Val). This variant is present in population databases (no rsID available, gnomAD 0.01%). This variant has not been reported in the literature in individuals affected with TTC21B-related conditions. Algorithms developed to predict the effect of missense changes on protein structure and function (SIFT, PolyPhen-2, Align-GVGD) all suggest that this variant is likely to be disruptive. In summary, the available evidence is currently insufficient to determine the role of this variant in disease. Therefore, it has been classified as a Variant of Uncertain Significance.